The following is an entry in ClinVar:

ClinVar aggregate classification (germline): Conflicting classifications of pathogenicity. Review status: criteria provided, conflicting classifications (1 of 4 stars). 10 submissions from 10 submitters: Uncertain significance (1); Benign (1); Likely benign (6). 2 of the submissions do not count toward it. Last evaluated 2026-02-04.

Conditions:
PCDH15-related disorder. Also called: PCDH15-related disorders; PCDH15-related condition.
Usher syndrome type 1 (USH1). Also called: RETINITIS PIGMENTOSA AND CONGENITAL DEAFNESS. Identifiers: Orphanet 231169, Orphanet 886, MedGen C1568247, MONDO:0010168, OMIM 276900.
Usher syndrome type 1F (USH1F). Also called: USHER SYNDROME, TYPE IF. Identifiers: Orphanet 231169, Orphanet 886, MedGen C1865885, MONDO:0011186, OMIM 602083.

Allele frequency attached by ClinVar (database versions not stated): 1000 Genomes Project 30x 0.00203; ExAC 0.00125; gnomAD 0.00207 and 0.00224; gnomAD exomes 0.00107; 1000 Genomes Project 0.00240; ESP Exome Variant Server 0.00246; TOPMed 0.00257.
gnomAD v4.1: 1,163 of 1,609,358 alleles (0.072%); highest among the groups gnomAD compares: African/African-American, 0.66%; 2 homozygotes.

Submissions (10):

Labcorp Genetics (formerly Invitae), Labcorp
Classification: Likely benign. Last evaluated: 2026-02-04. Review status: criteria provided, single submitter. Criteria: Invitae Variant Classification Sherloc (09022015). Collection method: clinical testing. Allele origin: germline.

CeGaT Center for Human Genetics Tuebingen
Classification: Likely benign. Last evaluated: 2025-04-01. Review status: criteria provided, single submitter. Criteria: CeGaT Center For Human Genetics Tuebingen Variant Classification Criteria Version 2. Collection method: clinical testing. Allele origin: germline. Affected: yes. Observed: 2 variant alleles.
Comment: PCDH15: BP4

Blueprint Genetics
Classification: Likely benign. Last evaluated: 2024-11-14. Review status: criteria provided, single submitter. Criteria: ACMG Guidelines, 2015. Collection method: clinical testing. Allele origin: germline.

ARUP Laboratories, Molecular Genetics and Genomics, ARUP Laboratories
Classification: Likely benign. Last evaluated: 2022-03-01. Review status: criteria provided, single submitter. Criteria: ARUP Molecular Germline Variant Investigation Process 2021. Collection method: clinical testing. Allele origin: germline.

GeneDx
Classification: Likely benign. Last evaluated: 2021-07-16. Review status: criteria provided, single submitter. Criteria: GeneDx Variant Classification Process June 2021. Collection method: clinical testing. Allele origin: germline. Affected: yes.

Illumina Laboratory Services, Illumina
Classification: Uncertain significance for Usher syndrome type 1. Last evaluated: 2017-04-27. Review status: criteria provided, single submitter. Criteria: ICSL Variant Classification Criteria 13 December 2019. Collection method: clinical testing. Allele origin: germline.

Eurofins Ntd Llc (ga)
Classification: Likely benign. Last evaluated: 2015-07-10. Review status: criteria provided, single submitter. Criteria: EGL Classification Definitions 2015. Collection method: clinical testing. Allele origin: germline. Observed: 2 variant alleles, 2 heterozygotes.

Laboratory for Molecular Medicine, Mass General Brigham Personalized Medicine
Classification: Benign. Last evaluated: 2012-05-07. Review status: criteria provided, single submitter. Criteria: LMM Criteria. Collection method: clinical testing. Allele origin: germline. Observed: 9 variant alleles.
Comment: Pro1805Leu in Exon 33 of PCDH15: This variant is not expected to have clinical s ignificance because it has been identified in 0.6% (23/3736) of African American chromosomes from a broad population by the NHLBI Exome Sequencing Project (dbSNP rs114137983).

PreventionGenetics, part of Exact Sciences
Classification: Likely benign for PCDH15-related condition. Last evaluated: 2020-12-21. Review status: no assertion criteria provided. Collection method: clinical testing. Allele origin: germline. Not counted in ClinVar's aggregate classification.
Comment: This variant is classified as likely benign based on ACMG/AMP sequence variant interpretation guidelines (Richards et al. 2015 PMID: 25741868, with internal and published modifications).

Natera, Inc.
Classification: Likely benign for Usher syndrome type 1F. Last evaluated: 2019-12-12. Review status: no assertion criteria provided. Collection method: clinical testing. Allele origin: germline. Not counted in ClinVar's aggregate classification.

NM_033056.4(PCDH15):c.5414C>T (p.Pro1805Leu)

Gene: PCDH15 (protocadherin related 15; minus strand). Cytogenetic location: 10q21.1.
Variant type: single nucleotide variant.
Coding change: c.5414C>T on transcript NM_033056.4 (MANE Plus Clinical); coding-DNA position 5414, C replaced by T.
Protein change: p.Pro1805Leu; replaces proline 1805 with leucine.
Molecular consequence: missense variant. On other transcripts: intron variant (8).
Genome position (GRCh38, 1-based): chr10:53,822,312, G>A on the plus strand (C>T on the coding strand, the complement: PCDH15 is on the minus strand). VCF-style: chr10-53822312-G-A. GRCh37 (hg19) VCF-style: chr10-55582072-G-A.
Other names: c.5435C>T, p.Pro1812Leu (NM_001142763.2); c.5420C>T, p.Pro1807Leu (NM_001142764.2); c.5207C>T, p.Pro1736Leu (NM_001142765.2); c.5405C>T, p.Pro1802Leu (NM_001142766.2); c.5294C>T, p.Pro1765Leu (NM_001142767.2); c.5354C>T, p.Pro1785Leu (NM_001142768.2); c.5345C>T, p.Pro1782Leu (NM_001142773.2); c.5348C>T, p.Pro1783Leu (NM_001354404.2); and 7 more; short protein forms P1805L, P1736L, P1802L, P1807L, P1765L, P1782L, P1783L, P1785L.
Identifiers: ClinVar variation 46500 (VCV000046500.52), dbSNP rs114137983, ClinGen allele CA138473.
Genomic context (GRCh38, chr10:53,822,312, plus strand): 5'-ATAGAAGGAGGTGGTGGAGGAAGAGGAGTTGGAAATGGAGGTAGAAGAGGTGGTGTTGGG[G>A]GACCAGACGTTGAAACGGAAAGTGGAAAAAATGTAGGAGGAGGAAGAGGAAGAGGGATAG-3'
Protein context (NP_149045.3, residues 1795-1815): FFPLSVSTSG[Pro1805Leu]PTPPLLPPFP